The following is an entry in ClinVar:

NM_000393.5(COL5A2):c.1104+115T>C

Gene: COL5A2 (collagen type V alpha 2 chain; minus strand). Cytogenetic location: 2q32.2.
Variant type: single nucleotide variant.
Coding change: c.1104+115T>C on transcript NM_000393.5 (MANE Select); 115 bases into the intron after coding-DNA position 1104, T replaced by C.
Molecular consequence: intron variant.
Genome position (GRCh38, 1-based): chr2:189,075,278, A>G on the plus strand (T>C on the coding strand, the complement: COL5A2 is on the minus strand). VCF-style: chr2-189075278-A-G. GRCh37 (hg19) VCF-style: chr2-189940004-A-G.
Identifiers: ClinVar variation 674029 (VCV000674029.1), dbSNP rs145791814, ClinGen allele CA62560890.

ClinVar aggregate classification (germline): Likely benign (1 of 4 stars; one submission).

Allele frequency attached by ClinVar (database versions not stated): 1000 Genomes Project 30x 0.00203; 1000 Genomes Project 0.00260; TOPMed 0.00841; gnomAD 0.00906 and 0.00948; gnomAD exomes 0.01060.
gnomAD v4.1: 7,483 of 735,392 alleles (1%); highest among the groups gnomAD compares: Non-Finnish European, 1.5%; 62 homozygotes.

Submission:

GeneDx
Classification: Likely benign. Last evaluated: 2018-06-16. Review status: criteria provided, single submitter. Criteria: GeneDx Variant Classification (06012015). Collection method: clinical testing. Allele origin: germline. Affected: yes.
Comment: This variant is considered likely benign or benign based on one or more of the following criteria: it is a conservative change, it occurs at a poorly conserved position in the protein, it is predicted to be benign by multiple in silico algorithms, and/or has population frequency not consistent with disease.